The following is an entry in ClinVar:

ClinVar aggregate classification (germline): Uncertain significance (1 of 4 stars; one submission).

Submission:

GeneDx
Classification: Uncertain significance. Last evaluated: 2025-04-11. Review status: criteria provided, single submitter. Criteria: GeneDx Variant Classification Process June 2021. Collection method: clinical testing. Allele origin: germline. Affected: yes.
Comment: Not observed at significant frequency in large population cohorts (gnomAD); In silico analysis indicates that this missense variant does not alter protein structure/function; Has not been previously published as pathogenic or benign to our knowledge

NM_001375524.1(TRRAP):c.7690G>C (p.Glu2564Gln)

Gene: TRRAP (transformation/transcription domain associated protein; plus strand). Cytogenetic location: 7q22.1.
Variant type: single nucleotide variant.
Coding change: c.7690G>C on transcript NM_001375524.1 (MANE Select); coding-DNA position 7690, G replaced by C.
Protein change: p.Glu2564Gln; replaces glutamic acid 2564 with glutamine.
Molecular consequence: missense variant.
Genome position (GRCh38, 1-based): chr7:98,970,289, G>C. VCF-style: chr7-98970289-G-C. GRCh37 (hg19) VCF-style: chr7-98567912-G-C.
Other names: c.7669G>C, p.Glu2557Gln (NM_001244580.2); c.7615G>C, p.Glu2539Gln (NM_003496.4); short protein forms E2539Q, E2557Q, E2564Q.
Identifiers: ClinVar variation 4282024 (VCV004282024.1).